The following is an entry in ClinVar:

NM_024408.4(NOTCH2):c.6941G>A (p.Ser2314Asn)

Gene: NOTCH2 (notch receptor 2; minus strand). Cytogenetic location: 1p12.
Variant type: single nucleotide variant.
Coding change: c.6941G>A on transcript NM_024408.4 (MANE Select); coding-DNA position 6941, G replaced by A.
Protein change: p.Ser2314Asn; replaces serine 2314 with asparagine.
Molecular consequence: missense variant.
Genome position (GRCh38, 1-based): chr1:119,915,781, C>T on the plus strand (G>A on the coding strand, the complement: NOTCH2 is on the minus strand). VCF-style: chr1-119915781-C-T. GRCh37 (hg19) VCF-style: chr1-120458404-C-T.
Other names: short protein forms S2314N.
Identifiers: ClinVar variation 4780037 (VCV004780037.1).

ClinVar aggregate classification (germline): Uncertain significance (1 of 4 stars; one submission).

Conditions:
Hajdu-Cheney syndrome (HJCYS). Also called: SERPENTINE FIBULA-POLYCYSTIC KIDNEY SYNDROME; Acroosteolysis dominant type; ACROOSTEOLYSIS WITH OSTEOPOROSIS AND CHANGES IN SKULL AND MANDIBLE. Identifiers: Orphanet 955, MedGen C0917715, MONDO:0007057, OMIM 102500.

gnomAD v4.1: 6 of 1,610,620 alleles (0.00037%); highest among the groups gnomAD compares: Middle Eastern, 0.016%; no homozygotes.

Submission:

Labcorp Genetics (formerly Invitae), Labcorp
Classification: Uncertain significance for Hajdu-Cheney syndrome. Last evaluated: 2026-01-14. Review status: criteria provided, single submitter. Criteria: Invitae Variant Classification Sherloc (09022015). Collection method: clinical testing. Allele origin: germline.
Comment: This sequence change replaces serine, which is neutral and polar, with asparagine, which is neutral and polar, at codon 2314 of the NOTCH2 protein (p.Ser2314Asn). This variant is present in population databases (no rsID available, gnomAD 0.007%). This variant has not been reported in the literature in individuals affected with NOTCH2-related conditions. Invitae Evidence Modeling of protein sequence and biophysical properties (such as structural, functional, and spatial information, amino acid conservation, physicochemical variation, residue mobility, and thermodynamic stability) indicates that this missense variant is not expected to disrupt NOTCH2 protein function with a negative predictive value of 80%. In summary, the available evidence is currently insufficient to determine the role of this variant in disease. Therefore, it has been classified as a Variant of Uncertain Significance.